The following is an entry in ClinVar:

NM_000188.3(HK1):c.888G>A (p.Met296Ile)

Gene: HK1 (hexokinase 1; plus strand). Cytogenetic location: 10q22.1.
Variant type: single nucleotide variant.
Coding change: c.888G>A on transcript NM_000188.3 (MANE Select); coding-DNA position 888, G replaced by A.
Protein change: p.Met296Ile; replaces methionine 296 with isoleucine.
Molecular consequence: missense variant. On other transcripts: 5 prime UTR variant (1), non-coding transcript variant (2), intron variant (1).
Genome position (GRCh38, 1-based): chr10:69,376,946, G>A. VCF-style: chr10-69376946-G-A. GRCh37 (hg19) VCF-style: chr10-71136702-G-A.
Other names: c.900G>A, p.Met300Ile (NM_001322364.2, NM_001358263.1, NM_033497.3 and 1 more transcripts); c.993G>A, p.Met331Ile (NM_001322365.2); c.804G>A, p.Met268Ile (NM_001322366.1, NM_001441143.1); c.792G>A, p.Met264Ile (NM_001322367.1); c.888G>A, p.Met296Ile (NM_001441139.1, NM_001441141.1, NM_001441145.1 and 2 more transcripts); c.879G>A, p.Met293Ile (NM_001441140.1); c.846G>A, p.Met282Ile (NM_001441142.1); c.768G>A, p.Met256Ile (NM_001441144.1); and 8 more; short protein forms M284I, M293I, M58I, M174I, M256I, M268I, M282I, M296I.
Identifiers: ClinVar variation 4740665 (VCV004740665.3).

ClinVar aggregate classification (germline): Uncertain significance. Review status: criteria provided, multiple submitters, no conflicts (2 of 4 stars). 2 submissions from 2 submitters: Uncertain significance (2). Last evaluated 2026-06-01.

Submissions (2):

CeGaT Center for Human Genetics Tuebingen
Classification: Uncertain significance. Last evaluated: 2026-06-01. Review status: criteria provided, single submitter. Criteria: CeGaT Center For Human Genetics Tuebingen Variant Classification Criteria Version 2. Collection method: clinical testing. Allele origin: germline. Affected: yes. Observed: 1 variant allele.
Comment: HK1: PM2, PP3

Labcorp Genetics (formerly Invitae), Labcorp
Classification: Uncertain significance. Last evaluated: 2025-06-24. Review status: criteria provided, single submitter. Criteria: Invitae Variant Classification Sherloc (09022015). Collection method: clinical testing. Allele origin: germline.
Comment: This sequence change replaces methionine, which is neutral and non-polar, with isoleucine, which is neutral and non-polar, at codon 296 of the HK1 protein (p.Met296Ile). This variant is not present in population databases (gnomAD no frequency). This variant has not been reported in the literature in individuals affected with HK1-related conditions. Invitae Evidence Modeling of protein sequence and biophysical properties (such as structural, functional, and spatial information, amino acid conservation, physicochemical variation, residue mobility, and thermodynamic stability) has been performed for this missense variant. However, the output from this modeling did not meet the statistical confidence thresholds required to predict the impact of this variant on HK1 protein function. In summary, the available evidence is currently insufficient to determine the role of this variant in disease. Therefore, it has been classified as a Variant of Uncertain Significance.